The following is an entry in ClinVar:

ClinVar aggregate classification (germline): Likely pathogenic (1 of 4 stars; one submission).

Conditions:
SPTB-related disorder. Also called: SPTB-related condition; SPTB-Related Disorders.

Submission:

PreventionGenetics, part of Exact Sciences
Classification: Likely pathogenic for SPTB-related condition. Last evaluated: 2025-06-03. Review status: criteria provided, single submitter. Criteria: ACMG Guidelines, 2015. Collection method: clinical testing. Allele origin: germline.
Comment: The SPTB c.2743_2744dupGT variant is predicted to result in premature protein termination (p.Glu916*). To our knowledge, this variant has not been reported in the literature or in a large population database (gnomAD), indicating this variant is rare. Nonsense variants in SPTB are expected to be pathogenic. This variant is interpreted as likely pathogenic.

NM_001355436.2(SPTB):c.2743_2744dup (p.Val915_Glu916insTer)

Gene: SPTB (spectrin beta, erythrocytic; minus strand). Cytogenetic location: 14q23.3.
Variant type: Duplication.
Coding change: c.2743_2744dup on transcript NM_001355436.2 (MANE Select); coding-DNA positions 2743 to 2744, 2 bases duplicated (GT; older notation c.2743_2744dupGT).
Protein change: p.Val915_Glu916insTer.
Molecular consequence: frameshift variant.
Genome position (GRCh38, 1-based): chr14:64,791,779-64,791,780, AC duplicated on the plus strand (GT on the coding strand, the reverse complement: SPTB is on the minus strand). VCF-style (leftmost placement, unchanged base first): chr14-64791778-T-TAC. GRCh37 (hg19) VCF-style: chr14-65258496-T-TAC.
Other names: c.2743_2744dup, p.Val915_Glu916insTer (NM_001024858.4, NM_001355437.2).
Identifiers: ClinVar variation 5000034 (VCV005000034.1).